The following is an entry in ClinVar:

ClinVar aggregate classification (germline): Likely benign. Review status: criteria provided, multiple submitters, no conflicts (2 of 4 stars). 3 submissions from 3 submitters: Likely benign (2). 1 of the submissions does not count toward it. Last evaluated 2026-01-20.

Conditions:
Nephronophthisis 1 (NPHP1). Also called: Nephronophthisis familial juvenile. Identifiers: Orphanet 655, Orphanet 93592, MedGen C1855681, MONDO:0009728, OMIM 256100.
Joubert syndrome with renal defect. Also called: JOUBERT SYNDROME 4. Identifiers: Orphanet 220497, MedGen C1846790, MONDO:0012308, OMIM 609583.
Senior-Loken syndrome 1 (SLSN1). Also called: JUVENILE NEPHRONOPHTHISIS WITH LEBER AMAUROSIS. Identifiers: Orphanet 3156, MedGen C4551559, MONDO:0009962, OMIM 266900.
Nephronophthisis. Also called: Juvenile Nephronophthisis. Identifiers: Orphanet 655, MedGen C0687120, MONDO:0019005, HP:0000090.
NPHP1-related disorder. Also called: NPHP1-related condition; NPHP1-related disorders.

Submissions (3):

Labcorp Genetics (formerly Invitae), Labcorp
Classification: Likely benign for Nephronophthisis. Last evaluated: 2026-01-20. Review status: criteria provided, single submitter. Criteria: Invitae Variant Classification Sherloc (09022015). Collection method: clinical testing. Allele origin: germline.

Fulgent Genetics
Classification: Likely benign for Nephronophthisis 1; Senior-Loken syndrome 1; Joubert syndrome with renal defect. Last evaluated: 2022-05-12. Review status: criteria provided, single submitter. Criteria: ACMG Guidelines, 2015. Collection method: clinical testing. Allele origin: unknown.

PreventionGenetics, part of Exact Sciences
Classification: Likely benign for NPHP1-related condition. Last evaluated: 2021-05-05. Review status: no assertion criteria provided. Collection method: clinical testing. Allele origin: germline. Not counted in ClinVar's aggregate classification.
Comment: This variant is classified as likely benign based on ACMG/AMP sequence variant interpretation guidelines (Richards et al. 2015 PMID: 25741868, with internal and published modifications).

NM_001128178.3(NPHP1):c.1530-4del

Gene: NPHP1 (nephrocystin 1; minus strand). Cytogenetic location: 2q13.
Variant type: Deletion.
Coding change: c.1530-4del on transcript NM_001128178.3 (MANE Select); 4 bases into the intron before coding-DNA position 1530, one base deleted (A; older notation c.1530-4delA).
Molecular consequence: intron variant.
Genome position (GRCh38, 1-based): chr2:110,131,795, T deleted on the plus strand (A on the coding strand, the reverse complement: NPHP1 is on the minus strand); the first of 2 consecutive T bases (chr2:110,131,795-110,131,796); deleting either gives the same sequence. VCF-style (leftmost placement, unchanged base first): chr2-110131794-AT-A. GRCh37 (hg19) VCF-style: chr2-110889371-AT-A.
Other names: c.1341-4del (NM_001128179.3); c.1527-4del (NM_001374256.1); c.1530-4del (NM_001374257.1); c.1695-4del (NM_207181.4); c.1698-4del (NM_000272.5).
Identifiers: ClinVar variation 704235 (VCV000704235.10), dbSNP rs757295724, ClinGen allele CA1826976.